The following is an entry in ClinVar:

ClinVar aggregate classification (germline): Uncertain significance (1 of 4 stars; one submission).

Conditions:
Spermatogenic failure 18. Identifiers: MedGen C4539783, MONDO:0054615, OMIM 617576.
Ciliary dyskinesia, primary, 37 (CILD37). Also called: CILIARY DYSKINESIA, PRIMARY, 37, WITH OR WITHOUT SITUS INVERSUS. Identifiers: MedGen C4539798, MONDO:0033204, OMIM 617577.

Submission:

Labcorp Genetics (formerly Invitae), Labcorp
Classification: Uncertain significance for Ciliary dyskinesia, primary, 37; Spermatogenic failure 18. Last evaluated: 2024-03-24. Review status: criteria provided, single submitter. Criteria: Invitae Variant Classification Sherloc (09022015). Collection method: clinical testing. Allele origin: germline.
Comment: This sequence change replaces alanine, which is neutral and non-polar, with valine, which is neutral and non-polar, at codon 1876 of the DNAH1 protein (p.Ala1876Val). This variant is not present in population databases (gnomAD no frequency). This variant has not been reported in the literature in individuals affected with DNAH1-related conditions. Advanced modeling of protein sequence and biophysical properties (such as structural, functional, and spatial information, amino acid conservation, physicochemical variation, residue mobility, and thermodynamic stability) performed at Invitae indicates that this missense variant is not expected to disrupt DNAH1 protein function with a negative predictive value of 80%. In summary, the available evidence is currently insufficient to determine the role of this variant in disease. Therefore, it has been classified as a Variant of Uncertain Significance.

NM_015512.5(DNAH1):c.5627C>T (p.Ala1876Val)

Gene: DNAH1 (dynein axonemal heavy chain 1; plus strand). Cytogenetic location: 3p21.1.
Variant type: single nucleotide variant.
Coding change: c.5627C>T on transcript NM_015512.5 (MANE Select); coding-DNA position 5627, C replaced by T.
Protein change: p.Ala1876Val; replaces alanine 1876 with valine.
Molecular consequence: missense variant.
Genome position (GRCh38, 1-based): chr3:52,366,749, C>T. VCF-style: chr3-52366749-C-T. GRCh37 (hg19) VCF-style: chr3-52400765-C-T.
Other names: short protein forms A1876V.
Identifiers: ClinVar variation 3752116 (VCV003752116.2).